The following is an entry in ClinVar:

ClinVar aggregate classification (germline): Uncertain significance (1 of 4 stars; one submission).

Conditions:
Dilated cardiomyopathy 1D. Identifiers: Orphanet 154, Orphanet 54260, MedGen C1832243, MONDO:0011095, OMIM 601494.
Hypertrophic cardiomyopathy 2. Also called: TNNT2-Related Familial Hypertrophic Cardiomyopathy. Identifiers: MedGen C1861864, MONDO:0007266, OMIM 115195.
Cardiomyopathy, familial restrictive, 3. Identifiers: Orphanet 75249, MedGen C2676271, MONDO:0012900, OMIM 612422.

Submission:

Labcorp Genetics (formerly Invitae), Labcorp
Classification: Uncertain significance for Cardiomyopathy, familial restrictive, 3; Hypertrophic cardiomyopathy 2; Dilated cardiomyopathy 1D. Last evaluated: 2016-06-21. Review status: criteria provided, single submitter. Criteria: Invitae Variant Classification Sherloc (09022015). Collection method: clinical testing. Allele origin: germline.
Comment: This sequence change replaces asparagine with aspartic acid at codon 73 of the TNNT2 protein (p.Asn73Asp). The asparagine residue is highly conserved and there is a small physicochemical difference between asparagine and aspartic acid. This variant is not present in population databases (ExAC no frequency) and has not been reported in the literature in individuals with a TNNT2-related disease. Algorithms developed to predict the effect of missense changes on protein structure and function do not agree on the potential impact of this missense change (SIFT: "Tolerated"; PolyPhen-2: "Possibly Damaging"; Align-GVGD: "Class C0"). In summary, this variant is a novel missense change with uncertain impact on protein function. It has been classified as a Variant of Uncertain Significance.

NM_001276345.2(TNNT2):c.247A>G (p.Asn83Asp)

Gene: TNNT2 (troponin T2, cardiac type; minus strand). Cytogenetic location: 1q32.1.
Variant type: single nucleotide variant.
Coding change: c.247A>G on transcript NM_001276345.2 (MANE Select); coding-DNA position 247, A replaced by G.
Protein change: p.Asn83Asp; replaces asparagine 83 with aspartic acid.
Molecular consequence: missense variant.
Genome position (GRCh38, 1-based): chr1:201,365,657, T>C on the plus strand (A>G on the coding strand, the complement: TNNT2 is on the minus strand). VCF-style: chr1-201365657-T-C. GRCh37 (hg19) VCF-style: chr1-201334785-T-C.
Other names: c.247A>G, p.Asn83Asp (NM_000364.4); c.217A>G, p.Asn73Asp (NM_001001430.3, NM_001001431.3, NM_001276347.2); c.202A>G, p.Asn68Asp (NM_001001432.3); c.244A>G, p.Asn82Asp (NM_001276346.2); short protein forms N73D, N83D, N82D, N68D.
Identifiers: ClinVar variation 404395 (VCV000404395.8), dbSNP rs1060500235, ClinGen allele CA16610016.